The following is an entry in ClinVar:

NM_000051.4(ATM):c.6841T>C (p.Tyr2281His)

Genes: ATM (ATM serine/threonine kinase; plus strand), C11orf65 (chromosome 11 open reading frame 65; minus strand). Cytogenetic location: 11q22.3.
Variant type: single nucleotide variant.
Coding change: c.6841T>C on transcript NM_000051.4 (MANE Select); coding-DNA position 6841, T replaced by C.
Protein change: p.Tyr2281His; replaces tyrosine 2281 with histidine.
Molecular consequence: missense variant. On other transcripts: intron variant (2).
Genome position (GRCh38, 1-based): chr11:108,326,091, T>C. VCF-style: chr11-108326091-T-C. GRCh37 (hg19) VCF-style: chr11-108196818-T-C.
Other names: c.6841T>C, p.Tyr2281His (NM_001351834.2); c.641-17020A>G (NM_001330368.2); c.*38+9129A>G (NM_001351110.2); short protein forms Y2281H.
Identifiers: ClinVar variation 490677 (VCV000490677.23), dbSNP rs1291249685, ClinGen allele CA382556640.
Genomic context (GRCh38, chr11:108,326,091, plus strand): 5'-TATTCCCATATGTCATTTTCATTTCAGCTCCCTGAAAGGGCAATATTTCAAATTAAACAG[T>C]ACAATTCAGTTAGCTGTGGAGTCTCTGAGTGGCAGCTGGAAGAAGCACAAGTATTCTGGG-3'
Protein context (NP_000042.3, residues 2271-2291): PERAIFQIKQ[Tyr2281His]NSVSCGVSEW

ClinVar aggregate classification (germline): Conflicting classifications of pathogenicity. Review status: criteria provided, conflicting classifications (1 of 4 stars). 4 submissions from 4 submitters: Uncertain significance (2); Likely benign (1). 1 of the submissions does not count toward it. Last evaluated 2024-11-08.

Conditions:
Hereditary cancer-predisposing syndrome. Also called: Neoplastic Syndromes, Hereditary; Hereditary Cancer Syndrome; Tumor predisposition; Hereditary neoplastic syndrome. Identifiers: Orphanet 140162, MedGen C0027672, MeSH D009386, MONDO:0015356.
Ataxia-telangiectasia syndrome (AT). Also called: LOUIS-BAR SYNDROME; Cerebello-oculocutaneous telangiectasia; Immunodeficiency with ataxia telangiectasia; Ataxia-telangiectasia, complementation group D; AT, COMPLEMENTATION GROUP C; Ataxia-telangiectasia, complementation group E. Identifiers: Orphanet 100, MedGen C0004135, MONDO:0008840, OMIM 208900.

Submissions (4):

Ambry Genetics
Classification: Likely benign for Hereditary cancer-predisposing syndrome. Last evaluated: 2024-11-08. Review status: criteria provided, single submitter. Criteria: Ambry Variant Classification Scheme 2023. Collection method: clinical testing. Allele origin: germline.

Color Diagnostics, LLC DBA Color Health
Classification: Uncertain significance for Hereditary cancer-predisposing syndrome. Last evaluated: 2023-12-05. Review status: criteria provided, single submitter. Criteria: ACMG Guidelines, 2015. Collection method: clinical testing. Allele origin: germline.
Comment: This missense variant replaces tyrosine with histidine at codon 2281 of the ATM protein. Computational prediction suggests that this variant may not impact protein structure and function (internally defined REVEL score threshold <= 0.5, PMID: 27666373). To our knowledge, functional studies have not been reported for this variant. This variant has not been reported in individuals affected with ATM-related disorders in the literature. This variant has not been identified in the general population by the Genome Aggregation Database (gnomAD). The available evidence is insufficient to determine the role of this variant in disease conclusively. Therefore, this variant is classified as a Variant of Uncertain Significance.

Labcorp Genetics (formerly Invitae), Labcorp
Classification: Uncertain significance for Ataxia-telangiectasia syndrome. Last evaluated: 2021-09-24. Review status: criteria provided, single submitter. Criteria: Invitae Variant Classification Sherloc (09022015). Collection method: clinical testing. Allele origin: germline.
Comment: This sequence change replaces tyrosine with histidine at codon 2281 of the ATM protein (p.Tyr2281His). The tyrosine residue is moderately conserved and there is a moderate physicochemical difference between tyrosine and histidine. This variant is not present in population databases (ExAC no frequency). This variant has not been reported in the literature in individuals affected with ATM-related conditions. ClinVar contains an entry for this variant (Variation ID: 490677). Algorithms developed to predict the effect of missense changes on protein structure and function (SIFT, PolyPhen-2, Align-GVGD) all suggest that this variant is likely to be tolerated. In summary, the available evidence is currently insufficient to determine the role of this variant in disease. Therefore, it has been classified as a Variant of Uncertain Significance.

Natera, Inc.
Classification: Uncertain significance for Ataxia-telangiectasia. Last evaluated: 2020-09-25. Review status: no assertion criteria provided. Collection method: clinical testing. Allele origin: germline. Not counted in ClinVar's aggregate classification.